The following is an entry in ClinVar:

ClinVar aggregate classification (germline): Conflicting classifications of pathogenicity. Review status: criteria provided, conflicting classifications (1 of 4 stars). 5 submissions from 5 submitters: Uncertain significance (4); Likely benign (1). Last evaluated 2026-08-23.

Conditions:
NOTCH2-related disorder. Also called: NOTCH2-related condition.
Inborn genetic diseases. Identifiers: MedGen C0950123, MeSH D030342.
Hajdu-Cheney syndrome (HJCYS). Also called: ACROOSTEOLYSIS WITH OSTEOPOROSIS AND CHANGES IN SKULL AND MANDIBLE; SERPENTINE FIBULA-POLYCYSTIC KIDNEY SYNDROME; Acroosteolysis dominant type. Identifiers: Orphanet 955, MedGen C0917715, MONDO:0007057, OMIM 102500.

Allele frequency attached by ClinVar (database versions not stated): ExAC 0.00002; gnomAD exomes 0.00002 and 0.00004; ESP Exome Variant Server 0.00008; TOPMed 0.00009; gnomAD 0.00012 and 0.00013.
gnomAD v4.1: 45 of 1,614,008 alleles (0.0028%); highest among the groups gnomAD compares: African/African-American, 0.052%; no homozygotes.

Submissions (5):

PreventionGenetics, part of Exact Sciences
Classification: Uncertain significance for NOTCH2-related condition. Last evaluated: 2026-08-23. Review status: criteria provided, single submitter. Criteria: ACMG Guidelines, 2015. Collection method: clinical testing. Allele origin: germline.
Comment: The NOTCH2 c.5815G>T variant is predicted to result in the amino acid substitution p.Ala1939Ser. To our knowledge, this variant has not been reported in the literature. This variant is reported in 0.036% of alleles in individuals of African descent in gnomAD, which may be too frequent to be a primary cause of disease. Although we suspect that this variant may be benign, the clinical significance of this variant is currently classified as uncertain due to the absence of conclusive functional and genetic evidence.

Women's Health and Genetics/Laboratory Corporation of America, LabCorp
Classification: Uncertain significance. Last evaluated: 2026-04-08. Review status: criteria provided, single submitter. Criteria: LabCorp Variant Classification Summary - May 2015. Collection method: clinical testing. Allele origin: germline.
Comment: Variant summary: NOTCH2 c.5815G>T (p.Ala1939Ser) results in a conservative amino acid change in the encoded protein sequence. Algorithms developed to predict the effect of missense changes on protein structure and function are either unavailable or do not agree on the potential impact of this missense change. The variant allele was found at a frequency of 3.6e-05 in 251476 control chromosomes. The available data on variant occurrences in the general population are insufficient to allow any conclusion about variant significance. To our knowledge, no occurrence of c.5815G>T in individuals affected with NOTCH2-related conditions and no experimental evidence demonstrating its impact on protein function have been reported. ClinVar contains an entry for this variant (Variation ID: 499060). Based on the evidence outlined above, the variant was classified as uncertain significance.

Labcorp Genetics (formerly Invitae), Labcorp
Classification: Uncertain significance for Hajdu-Cheney syndrome. Last evaluated: 2025-08-11. Review status: criteria provided, single submitter. Criteria: Invitae Variant Classification Sherloc (09022015). Collection method: clinical testing. Allele origin: germline.
Comment: This sequence change replaces alanine, which is neutral and non-polar, with serine, which is neutral and polar, at codon 1939 of the NOTCH2 protein (p.Ala1939Ser). This variant is present in population databases (rs373667418, gnomAD 0.03%). This variant has not been reported in the literature in individuals affected with NOTCH2-related conditions. ClinVar contains an entry for this variant (Variation ID: 499060). Invitae Evidence Modeling of protein sequence and biophysical properties (such as structural, functional, and spatial information, amino acid conservation, physicochemical variation, residue mobility, and thermodynamic stability) indicates that this missense variant is not expected to disrupt NOTCH2 protein function with a negative predictive value of 80%. In summary, the available evidence is currently insufficient to determine the role of this variant in disease. Therefore, it has been classified as a Variant of Uncertain Significance.

Ambry Genetics
Classification: Likely benign for Inborn genetic diseases. Last evaluated: 2025-02-03. Review status: criteria provided, single submitter. Criteria: Ambry Variant Classification Scheme 2023. Collection method: clinical testing. Allele origin: germline.

Eurofins Ntd Llc (ga)
Classification: Uncertain significance. Last evaluated: 2018-01-29. Review status: criteria provided, single submitter. Criteria: EGL Classification Definitions 2015. Collection method: clinical testing. Allele origin: germline. Observed: 2 variant alleles, 2 heterozygotes.

NM_024408.4(NOTCH2):c.5815G>T (p.Ala1939Ser)

Gene: NOTCH2 (notch receptor 2; minus strand). Cytogenetic location: 1p12.
Variant type: single nucleotide variant.
Coding change: c.5815G>T on transcript NM_024408.4 (MANE Select); coding-DNA position 5815, G replaced by T.
Protein change: p.Ala1939Ser; replaces alanine 1939 with serine.
Molecular consequence: missense variant.
Genome position (GRCh38, 1-based): chr1:119,918,520, C>A on the plus strand (G>T on the coding strand, the complement: NOTCH2 is on the minus strand). VCF-style: chr1-119918520-C-A. GRCh37 (hg19) VCF-style: chr1-120461143-C-A.
Other names: c.5815G>T (NM_024408.3); short protein forms A1939S.
Identifiers: ClinVar variation 499060 (VCV000499060.16), dbSNP rs373667418, ClinGen allele CA1039556.